The following is an entry in ClinVar:

NM_001267550.2(TTN):c.9164-2A>G

Gene: TTN (titin; minus strand). Cytogenetic location: 2q31.2.
Variant type: single nucleotide variant.
Coding change: c.9164-2A>G on transcript NM_001267550.2 (MANE Select); the canonical splice acceptor site of the intron before coding-DNA position 9164, A replaced by G.
Molecular consequence: splice acceptor variant.
Genome position (GRCh38, 1-based): chr2:178,768,157, T>C on the plus strand (A>G on the coding strand, the complement: TTN is on the minus strand). VCF-style: chr2-178768157-T-C. GRCh37 (hg19) VCF-style: chr2-179632884-T-C.
Other names: c.9026-2A>G (NM_003319.4, NM_133437.4, NM_133432.3); c.9164-2A>G (NM_133378.4, NM_001256850.1, NM_133379.5).
Identifiers: ClinVar variation 3223373 (VCV003223373.1), dbSNP rs777369921, ClinGen allele CA349675767.

ClinVar aggregate classification (germline): Uncertain significance (1 of 4 stars; one submission).

Conditions:
Cardiovascular phenotype. Identifiers: MedGen CN230736.

Submission:

Ambry Genetics
Classification: Uncertain significance for Cardiovascular phenotype. Last evaluated: 2023-11-22. Review status: criteria provided, single submitter. Criteria: Ambry Variant Classification Scheme 2023. Collection method: clinical testing. Allele origin: germline.
Comment: The c.9026-2A>G intronic variant results from an A to G substitution two nucleotides upstream from coding exon 37 in the TTN gene. In silico splice site analysis predicts that this alteration will weaken the native splice acceptor site and will result in the creation or strengthening of a novel splice acceptor site. Exon 37 is located in the I-band region of the N2-B isoform of the titin protein and is constitutively expressed in TTN transcripts (percent spliced in or PSI 100%). This alteration disrupts the canonical splice site and is expected to cause aberrant splicing. However, although direct evidence is unavailable, this alteration is predicted to result in an in-frame transcript that is not expected to trigger nonsense-mediated mRNA decay. The exact functional effect of the predicted splice impact is unknown. Since supporting evidence is limited at this time, the clinical significance of this alteration remains unclear.